The following is an entry in ClinVar:

ClinVar aggregate classification (germline): Uncertain significance (1 of 4 stars; one submission).

Conditions:
Primary ciliary dyskinesia. Also called: Ciliary dyskinesia. Identifiers: Orphanet 244, MedGen C0008780, MONDO:0016575, HP:0012265.

Submission:

Labcorp Genetics (formerly Invitae), Labcorp
Classification: Uncertain significance for Primary ciliary dyskinesia. Last evaluated: 2021-04-23. Review status: criteria provided, single submitter. Criteria: Invitae Variant Classification Sherloc (09022015). Collection method: clinical testing. Allele origin: germline.
Comment: In summary, the available evidence is currently insufficient to determine the role of this variant in disease. Therefore, it has been classified as a Variant of Uncertain Significance. Algorithms developed to predict the effect of missense changes on protein structure and function are either unavailable or do not agree on the potential impact of this missense change (SIFT: "Deleterious"; PolyPhen-2: "Probably Damaging"; Align-GVGD: "Class C0"). This variant has not been reported in the literature in individuals with DNAAF2-related conditions. This variant is not present in population databases (ExAC no frequency). This sequence change replaces proline with serine at codon 280 of the DNAAF2 protein (p.Pro280Ser). The proline residue is moderately conserved and there is a moderate physicochemical difference between proline and serine.

NM_018139.3(DNAAF2):c.838C>T (p.Pro280Ser)

Gene: DNAAF2 (dynein axonemal assembly factor 2; minus strand). Cytogenetic location: 14q21.3.
Variant type: single nucleotide variant.
Coding change: c.838C>T on transcript NM_018139.3 (MANE Select); coding-DNA position 838, C replaced by T.
Protein change: p.Pro280Ser; replaces proline 280 with serine.
Molecular consequence: missense variant.
Genome position (GRCh38, 1-based): chr14:49,634,312, G>A on the plus strand (C>T on the coding strand, the complement: DNAAF2 is on the minus strand). VCF-style: chr14-49634312-G-A. GRCh37 (hg19) VCF-style: chr14-50101030-G-A.
Other names: c.838C>T, p.Pro280Ser (NM_001083908.2); short protein forms P280S.
Identifiers: ClinVar variation 1394735 (VCV001394735.16), dbSNP rs2139582764, ClinGen allele CA389630164.